The following is an entry in ClinVar:

NM_198407.2(GHSR):c.790del (p.Met264fs)

Gene: GHSR (growth hormone secretagogue receptor; minus strand). Cytogenetic location: 3q26.31.
Variant type: Deletion.
Coding change: c.790del on transcript NM_198407.2 (MANE Select); coding-DNA position 790, one base deleted (A; older notation c.790delA).
Protein change: p.Met264fs; shifts the reading frame from methionine 264.
Molecular consequence: frameshift variant.
Genome position (GRCh38, 1-based): chr3:172,447,624, T deleted on the plus strand (A on the coding strand, the reverse complement: GHSR is on the minus strand); the first of 4 consecutive T bases (chr3:172,447,624-172,447,627); deleting any one gives the same sequence. VCF-style (leftmost placement, unchanged base first): chr3-172447623-AT-A. GRCh37 (hg19) VCF-style: chr3-172165413-AT-A.
Other names: c.790delA (NM_198407.2); c.790del, p.Met264fs (NM_004122.2); short protein forms M264fs.
Identifiers: ClinVar variation 817023 (VCV000817023.11), dbSNP rs762351324, ClinGen allele CA2706402.

ClinVar aggregate classification (germline): Uncertain significance. Review status: criteria provided, multiple submitters, no conflicts (2 of 4 stars). 3 submissions from 3 submitters: Uncertain significance (3). Last evaluated 2026-05-12.

Conditions:
GHSR-related disorder. Also called: GHSR-related condition.

Submissions (3):

PreventionGenetics, part of Exact Sciences
Classification: Uncertain significance for GHSR-related condition. Last evaluated: 2026-05-12. Review status: criteria provided, single submitter. Criteria: ACMG Guidelines, 2015. Collection method: clinical testing. Allele origin: germline.
Comment: The GHSR c.790delA variant is predicted to result in a frameshift and premature protein termination (p.Met264Cysfs*4). To our knowledge, this variant has not been reported in the literature. This variant is reported in 0.0062% of alleles in individuals of European (Non-Finnish) descent in gnomAD. Currently, loss‑of‑function is not an established disease mechanism, and truncating variants in GHSR are predominantly classified as variants of uncertain significance in public databases. Although we suspect that this variant may be pathogenic, at this time, the clinical significance of this variant is uncertain due to the absence of conclusive functional and genetic evidence.

GeneDx
Classification: Uncertain significance. Last evaluated: 2025-03-16. Review status: criteria provided, single submitter. Criteria: GeneDx Variant Classification Process June 2021. Collection method: clinical testing. Allele origin: germline. Affected: yes.
Comment: Has not been previously published as pathogenic or benign to our knowledge; Frameshift variant predicted to result in abnormal protein length as the last 103 amino acids are replaced with 3 different amino acids

Labcorp Genetics (formerly Invitae), Labcorp
Classification: Uncertain significance. Last evaluated: 2024-08-02. Review status: criteria provided, single submitter. Criteria: Invitae Variant Classification Sherloc (09022015). Collection method: clinical testing. Allele origin: germline.
Comment: This sequence change creates a premature translational stop signal (p.Met264Cysfs*4) in the GHSR gene. While this is not anticipated to result in nonsense mediated decay, it is expected to disrupt the last 103 amino acid(s) of the GHSR protein. This variant is present in population databases (rs762351324, gnomAD 0.006%). This variant has not been reported in the literature in individuals affected with GHSR-related conditions. ClinVar contains an entry for this variant (Variation ID: 817023). Experimental studies and prediction algorithms are not available or were not evaluated, and the functional significance of this variant is currently unknown. In summary, the available evidence is currently insufficient to determine the role of this variant in disease. Therefore, it has been classified as a Variant of Uncertain Significance.